The following is an entry in ClinVar:

ClinVar aggregate classification (germline): Uncertain significance. Review status: criteria provided, multiple submitters, no conflicts (2 of 4 stars). 2 submissions from 2 submitters: Uncertain significance (2). Last evaluated 2026-09-26.

Conditions:
HNF4A-related disorder. Also called: HNF4A-related condition.

Allele frequency attached by ClinVar (database versions not stated): gnomAD exomes 0.00001.
gnomAD v4.1: 12 of 1,612,346 alleles (0.00074%); highest among the groups gnomAD compares: Middle Eastern, 0.066%; no homozygotes.

Submissions (2):

PreventionGenetics, part of Exact Sciences
Classification: Uncertain significance for HNF4A-related condition. Last evaluated: 2026-09-26. Review status: criteria provided, single submitter. Criteria: ACMG Guidelines, 2015. Collection method: clinical testing. Allele origin: germline.
Comment: The HNF4A c.1087C>T variant is predicted to result in the amino acid substitution p.Arg363Trp. In transcript NM_175914.5, this variant is located in the intronic region c.1063+24C>T. To our knowledge, this variant has not been reported in the literature. This variant was not reported in gnomAD v2. However, in gnomAD v4 (available only on GRCh38), this variant is reported in 0.06% of alleles in individuals of Middle Eastern descent. At this time, the clinical significance of this variant is uncertain due to the absence of conclusive functional and genetic evidence.

CeGaT Center for Human Genetics Tuebingen
Classification: Uncertain significance. Last evaluated: 2024-03-01. Review status: criteria provided, single submitter. Criteria: CeGaT Center For Human Genetics Tuebingen Variant Classification Criteria Version 2. Collection method: clinical testing. Allele origin: germline. Affected: yes. Observed: 1 variant allele.
Comment: HNF4A: PM2, BP4

NM_175914.5(HNF4A):c.1063+24C>T

Gene: HNF4A (hepatocyte nuclear factor 4 alpha; plus strand). Cytogenetic location: 20q13.12.
Variant type: single nucleotide variant.
Coding change: c.1063+24C>T on transcript NM_175914.5 (MANE Select); 24 bases into the intron after coding-DNA position 1063, C replaced by T.
Molecular consequence: intron variant. On other transcripts: missense variant (3).
Genome position (GRCh38, 1-based): chr20:44,424,278, C>T. VCF-style: chr20-44424278-C-T. GRCh37 (hg19) VCF-style: chr20-43052918-C-T.
Other names: c.1087C>T, p.Arg363Trp (NM_001030004.3); c.1078C>T, p.Arg360Trp (NM_001287184.2); c.1153C>T, p.Arg385Trp (NM_178850.3); c.1054+24C>T (NM_001287182.2, NM_001287183.2); c.1063+24C>T (NM_001030003.3); c.1108+24C>T (NM_001258355.2); c.1129+24C>T (NM_178849.3, NM_000457.6); c.1087C>T (NM_001030004.2); short protein forms R360W, R363W, R385W.
Identifiers: ClinVar variation 3067444 (VCV003067444.22), dbSNP rs1031647179, ClinGen allele CA315413954.